The following is an entry in ClinVar:

ClinVar aggregate classification (germline): Conflicting classifications of pathogenicity. Review status: criteria provided, conflicting classifications (1 of 4 stars). 22 submissions from 21 submitters: Uncertain significance (1); Benign (10); Likely benign (6). 5 of the submissions do not count toward it. Last evaluated 2026-02-04.

Conditions:
Cardiovascular phenotype. Identifiers: MedGen CN230736.
PRKAG2 cardiac syndrome.
Cardiomyopathy (CMYO). Also called: Cardiomyopathies. Identifiers: Orphanet 167848, MedGen C0878544, MONDO:0004994, HP:0001638. Inheritance: Various modes of inheritance.
Renal cysts and diabetes syndrome (RCAD). Also called: MATURITY-ONSET DIABETES OF THE YOUNG, TYPE 5; Familial hypoplastic, glomerulocystic kidney. Identifiers: Orphanet 93111, MedGen C0431693, MONDO:0007669, OMIM 137920.
Hypertrophic cardiomyopathy 6. Identifiers: MedGen C1833236, MONDO:0010946, OMIM 600858.
Lethal congenital glycogen storage disease of heart. Also called: PHOSPHORYLASE KINASE DEFICIENCY OF HEART; GLYCOGEN STORAGE DISEASE OF HEART. Identifiers: Orphanet 439854, MedGen C1849813, MONDO:0009867, OMIM 261740.
Wolff-Parkinson-White pattern. Also called: Auriculoventricular accessory pathway syndrome; False bundle branch block syndrome; Anomalous ventricular excitation syndrome; WPW SYNDROME. Identifiers: MedGen C0043202, MONDO:0008685, OMIM 194200, HP:0001716.

Allele frequency attached by ClinVar (database versions not stated): ESP Exome Variant Server 0.00085; gnomAD 0.00144 and 0.00302; TOPMed 0.00235; gnomAD exomes 0.00422 and 0.00736; ExAC 0.00813; 1000 Genomes Project 30x 0.01390; 1000 Genomes Project 0.01458.
gnomAD v4.1: 6,787 of 1,613,886 alleles (0.42%); highest among the groups gnomAD compares: East Asian, 5.2%; 177 homozygotes.

Submissions (22):

Labcorp Genetics (formerly Invitae), Labcorp
Classification: Benign for Lethal congenital glycogen storage disease of heart. Last evaluated: 2026-02-04. Review status: criteria provided, single submitter. Criteria: Invitae Variant Classification Sherloc (09022015). Collection method: clinical testing. Allele origin: germline.

ARUP Laboratories, Molecular Genetics and Genomics, ARUP Laboratories
Classification: Benign. Last evaluated: 2025-06-05. Review status: criteria provided, single submitter. Criteria: ARUP Molecular Germline Variant Investigation Process 2024. Collection method: clinical testing. Allele origin: germline.

Molecular Diagnostic Laboratory for Inherited Cardiovascular Disease, Montreal Heart Institute
Classification: Likely benign. Last evaluated: 2025-04-09. Review status: criteria provided, single submitter. Criteria: ACMG Guidelines, 2015. Collection method: clinical testing. Allele origin: germline. Affected: no.

Blueprint Genetics
Classification: Likely benign. Last evaluated: 2024-11-27. Review status: criteria provided, single submitter. Criteria: ACMG Guidelines, 2015. Collection method: clinical testing. Allele origin: germline.

CeGaT Center for Human Genetics Tuebingen
Classification: Benign. Last evaluated: 2024-06-01. Review status: criteria provided, single submitter. Criteria: CeGaT Center For Human Genetics Tuebingen Variant Classification Criteria Version 2. Collection method: clinical testing. Allele origin: germline. Affected: yes. Observed: 12 variant alleles.
Comment: PRKAG2: BS1, BS2

CHEO Genetics Diagnostic Laboratory, Children's Hospital of Eastern Ontario
Classification: Likely benign for Cardiomyopathy. Last evaluated: 2023-06-20. Review status: criteria provided, single submitter. Criteria: ACMG Guidelines, 2015. Collection method: clinical testing. Allele origin: germline.

Mayo Clinic Laboratories, Mayo Clinic
Classification: Benign. Last evaluated: 2023-05-31. Review status: criteria provided, single submitter. Criteria: ACMG Guidelines, 2015. Collection method: clinical testing. Allele origin: germline. Observed: 25 variant alleles.
Comment: BS1, BS2

Illumina Laboratory Services, Illumina
Classification: Likely benign for Hypertrophic cardiomyopathy 6. Last evaluated: 2018-12-12. Review status: criteria provided, single submitter. Criteria: ICSL Variant Classification Criteria 13 December 2019. Collection method: clinical testing. Allele origin: germline.
Comment: This variant was observed as part of a predisposition screen in an ostensibly healthy population. A literature search was performed for the gene, cDNA change, and amino acid change (where applicable). No publications were found based on this search. Allele frequency data from public databases allowed determination this variant is unlikely to cause disease. Therefore, this variant is classified as likely benign.

Illumina Laboratory Services, Illumina
Classification: Likely benign for Wolff-Parkinson-White pattern. Last evaluated: 2018-12-12. Review status: criteria provided, single submitter. Criteria: ICSL Variant Classification Criteria 13 December 2019. Collection method: clinical testing. Allele origin: germline.
Comment: the same text as in the submission from Illumina Laboratory Services, Illumina above.

GeneDx
Classification: Benign. Last evaluated: 2018-12-06. Review status: criteria provided, single submitter. Criteria: GeneDx Variant Classification Process June 2021. Collection method: clinical testing. Allele origin: germline. Affected: yes.
Comment: This variant is associated with the following publications: (PMID: 28498465, 28801758, 28138913, 23778007, 27082122, 27153395, 27535533, 27884173, 25637381, 23992123)

Color Diagnostics, LLC DBA Color Health
Classification: Benign for Cardiomyopathy. Last evaluated: 2018-03-19. Review status: criteria provided, single submitter. Criteria: ACMG Guidelines, 2015. Collection method: clinical testing. Allele origin: germline.

Women's Health and Genetics/Laboratory Corporation of America, LabCorp
Classification: Likely benign. Last evaluated: 2018-03-06. Review status: criteria provided, single submitter. Criteria: LabCorp Variant Classification Summary - May 2015. Collection method: clinical testing. Allele origin: germline.
Comment: Variant summary: PRKAG2 c.298G>A (p.Gly100Ser) results in a non-conservative amino acid change in the encoded protein sequence. Three of five in-silico tools predict a benign effect of the variant on protein function. The variant allele was found at a frequency of 0.0068 in 276670 control chromosomes in the gnomAD database, including 44 homozygotes. The observed variant frequency is approximately 270.79 fold of the estimated maximal expected allele frequency for a pathogenic variant in PRKAG2 causing Cardiomyopathy phenotype (2.5e-05), strongly suggesting that the variant is benign. c.298G>A has been reported in the literature in individuals affected with Cardiomyopathy (Zhang_2013, Zhao_2017), however co-occurrences with other pathogenic variant(s) have been reported (MYBPC3 c.3624delC , p.Lys1209Serfs ; TNNT2 c.274C>T, p.Arg92Trp), providing supporting evidence for a benign role. At least one publication reports experimental evidence evaluating an impact on protein function. The most pronounced variant effect results in >50%-90% of normal activity (Zhang_2013). Multiple clinical diagnostic laboratories have classified the variant as "likely benign/benign." Based on the evidence outlined above, the variant was classified as likely benign.

Eurofins Ntd Llc (ga)
Classification: Benign. Last evaluated: 2017-03-30. Review status: criteria provided, single submitter. Criteria: EGL Classification Definitions 2015. Collection method: clinical testing. Allele origin: germline. Observed: 2 variant alleles, 2 heterozygotes.

Soonchunhyang University Bucheon Hospital, Soonchunhyang University Medical Center
Classification: Uncertain significance for Wolff-Parkinson-White pattern. Last evaluated: 2016-03-18. Review status: criteria provided, single submitter. Criteria: ACMG Guidelines, 2015. Collection method: reference population. Allele origin: germline. Observed: 7 variant alleles.

Ambry Genetics
Classification: Benign for Cardiovascular phenotype. Last evaluated: 2014-12-08. Review status: criteria provided, single submitter. Criteria: Ambry Variant Classification Scheme 2023. Collection method: clinical testing. Allele origin: germline.

Laboratory for Molecular Medicine, Mass General Brigham Personalized Medicine
Classification: Benign. Last evaluated: 2012-07-24. Review status: criteria provided, single submitter. Criteria: LMM Criteria. Collection method: clinical testing. Allele origin: germline. Observed: 38 variant alleles.
Comment: Gly100Ser in exon 3 of PRKAG2: Although this variant changes an amino acid, it i s present at high frequency in Asian populations (2-7%, 1000 Genomes data). This is consistent with its high frequency in Asian probands tested by our laborator y. In addition, this variant is outside of the CBS domain (residues 277-555) wh ere all pathogenic variants in PRKAG2 have so far been identified. In summary, t he variants frequency in the general population suggests that is not disease cau sing in isolation though a modifying effect cannot be ruled out.

Broad Center for Mendelian Genomics, Broad Institute of MIT and Harvard
Classification: Benign for Renal cysts and diabetes syndrome. Review status: criteria provided, single submitter. Criteria: ACMG Guidelines, 2015. Collection method: research. Allele origin: germline. Inheritance: Autosomal dominant inheritance. Affected: yes.
Comment: The heterozygous p.Gly100Ser variant in PRKAG2 has been identified in 12 Chinese individuals with Wolff-Parkinson-White syndrome, conduction system disease, and/or hypertrophic cardiomyopathy, segregated with disease in 12 relatives from 1 family (PMID: 23778007), but has also been identified in >3% of South Asian chromosomes and 30 homozygotes by ExAC. Functional studies with zebrafish provide some evidence that the p.Gly100Ser variant may slightly impact protein function (PMID: 23992123). However, these types of assays may not accurately represent biological function. This variant is not in the same domain as all other previously identified pathogenic variants, suggesting that this variant may be benign (PMID: 23778007). In summary, this variant meets criteria to be classified as benign for autosomal dominant PRKAG2 cardiac syndrome.

CSER _CC_NCGL, University of Washington
Classification: Likely benign for PRKAG2 cardiac syndrome. Last evaluated: 2014-06-01. Review status: no assertion criteria provided. Collection method: research. Allele origin: germline. Inheritance: Autosomal dominant inheritance. Study: ESP 6500 variant annotation. Not counted in ClinVar's aggregate classification.
Comment: Variants classified for the Actionable exomic incidental findings in 6503 participants: challenges of variant classification manuscript

Clinical Genetics, Academic Medical Center
Classification: Benign. Review status: no assertion criteria provided. Collection method: clinical testing. Allele origin: germline. Affected: yes. Study: VKGL Data-share Consensus. Not counted in ClinVar's aggregate classification.

Diagnostic Laboratory, Department of Genetics, University Medical Center Groningen
Classification: Likely benign. Review status: no assertion criteria provided. Collection method: clinical testing. Allele origin: germline. Affected: yes. Study: VKGL Data-share Consensus. Not counted in ClinVar's aggregate classification.

Genome Diagnostics Laboratory, University Medical Center Utrecht
Classification: Benign. Review status: no assertion criteria provided. Collection method: clinical testing. Allele origin: germline. Affected: yes. Study: VKGL Data-share Consensus. Not counted in ClinVar's aggregate classification.

Joint Genome Diagnostic Labs from Nijmegen and Maastricht, Radboudumc and MUMC+
Classification: Benign. Review status: no assertion criteria provided. Collection method: clinical testing. Allele origin: germline. Affected: yes. Study: VKGL Data-share Consensus. Not counted in ClinVar's aggregate classification.

Literature cited by the submitters: PubMed 23992123 (cited by 3 submitters); PubMed 23778007 (cited by 3 submitters); PubMed 28498465 (cited by Women's Health and Genetics/Laboratory Corporation of America, LabCorp).

NM_016203.4(PRKAG2):c.298G>A (p.Gly100Ser)

Gene: PRKAG2 (protein kinase AMP-activated non-catalytic subunit gamma 2; minus strand). Cytogenetic location: 7q36.1.
Variant type: single nucleotide variant.
Coding change: c.298G>A on transcript NM_016203.4 (MANE Select); coding-DNA position 298, G replaced by A.
Protein change: p.Gly100Ser; replaces glycine 100 with serine.
Molecular consequence: missense variant.
Genome position (GRCh38, 1-based): chr7:151,781,320, C>T on the plus strand (G>A on the coding strand, the complement: PRKAG2 is on the minus strand). VCF-style: chr7-151781320-C-T. GRCh37 (hg19) VCF-style: chr7-151478406-C-T.
Other names: c.166G>A, p.Gly56Ser (NM_001040633.2); short protein forms G100S, G56S.
Identifiers: ClinVar variation 36697 (VCV000036697.80), dbSNP rs79474211, ClinGen allele CA013456.